The following is an entry in ClinVar:

ClinVar aggregate classification (germline): Uncertain significance (1 of 4 stars; one submission).

Conditions:
Primary hyperoxaluria type 3. Also called: PH III. Identifiers: Orphanet 416, Orphanet 93600, MedGen C3150878, MONDO:0013327, OMIM 613616. Disease mechanism: loss of function.

Allele frequency attached by ClinVar (database versions not stated): gnomAD exomes below 0.00001; TOPMed below 0.00001; ExAC 0.00001; gnomAD 0.00001; ESP Exome Variant Server 0.00008.
gnomAD v4.1: 3 of 1,614,014 alleles (0.00019%); highest among the groups gnomAD compares: Non-Finnish European, 0.00025%; no homozygotes.

Submission:

Rare Kidney Stone Consortium and the Mayo Clinic Hyperoxaluria Center, Mayo Clinic
Classification: Uncertain significance for Primary hyperoxaluria type 3. Last evaluated: 2023-10-27. Review status: criteria provided, single submitter. Criteria: ACMG Guidelines, 2015. Collection method: curation. Allele origin: germline.
Comment: ACMG:PP3 BP1

Literature cited by the submitters: PubMed 25644115.

NM_138413.4(HOGA1):c.485C>T (p.Pro162Leu)

Gene: HOGA1 (4-hydroxy-2-oxoglutarate aldolase 1; plus strand). Cytogenetic location: 10q24.2.
Variant type: single nucleotide variant.
Coding change: c.485C>T on transcript NM_138413.4 (MANE Select); coding-DNA position 485, C replaced by T.
Protein change: p.Pro162Leu; replaces proline 162 with leucine.
Molecular consequence: missense variant. On other transcripts: intron variant (1).
Genome position (GRCh38, 1-based): chr10:97,599,696, C>T. VCF-style: chr10-97599696-C-T. GRCh37 (hg19) VCF-style: chr10-99359453-C-T.
Other names: c.212-2161C>T (NM_001134670.2); short protein forms P162L.
Identifiers: ClinVar variation 2664133 (VCV002664133.1), dbSNP rs372077963, ClinGen allele CA5634142.